The following is an entry in ClinVar:

ClinVar aggregate classification (germline): Uncertain significance. Review status: criteria provided, multiple submitters, no conflicts (2 of 4 stars). 4 submissions from 3 submitters: Uncertain significance (4). Last evaluated 2024-10-28.

Conditions:
Emery-Dreifuss muscular dystrophy 4, autosomal dominant (EDMD4). Also called: EMERY-DREIFUSS MUSCULAR DYSTROPHY 4 WITH VARIABLE FEATURES. Identifiers: Orphanet 261, MedGen C2751807, MONDO:0013071, OMIM 612998.
Autosomal recessive ataxia, Beauce type. Also called: ATAXIA, RECESSIVE, OF BEAUCE; SYNE1 Deficiency; SYNE1-Related Autosomal Recessive Cerebellar Ataxia; Spinocerebellar ataxia, autosomal recessive 8. Identifiers: Orphanet 88644, MedGen C1853116, MONDO:0012549, OMIM 610743.

Allele frequency attached by ClinVar (database versions not stated): gnomAD exomes 0.00001; gnomAD 0.00002; TOPMed 0.00002.
gnomAD v4.1: 6 of 1,614,076 alleles (0.00037%); highest among the groups gnomAD compares: African/African-American, 0.0013%; no homozygotes.

Submissions (4):

Labcorp Genetics (formerly Invitae), Labcorp
Classification: Uncertain significance for Emery-Dreifuss muscular dystrophy 4, autosomal dominant; Autosomal recessive ataxia, Beauce type. Last evaluated: 2024-10-28. Review status: criteria provided, single submitter. Criteria: Invitae Variant Classification Sherloc (09022015). Collection method: clinical testing. Allele origin: germline.
Comment: This sequence change replaces lysine, which is basic and polar, with asparagine, which is neutral and polar, at codon 2046 of the SYNE1 protein (p.Lys2046Asn). This variant is present in population databases (no rsID available, gnomAD 0.007%). This variant has not been reported in the literature in individuals affected with SYNE1-related conditions. ClinVar contains an entry for this variant (Variation ID: 905047). An algorithm developed to predict the effect of missense changes on protein structure and function (PolyPhen-2) suggests that this variant is likely to be tolerated. In summary, the available evidence is currently insufficient to determine the role of this variant in disease. Therefore, it has been classified as a Variant of Uncertain Significance.

Athena Diagnostics
Classification: Uncertain significance. Last evaluated: 2023-05-17. Review status: criteria provided, single submitter. Criteria: Athena Diagnostics Criteria. Collection method: clinical testing. Allele origin: unknown.
Comment: Available data are insufficient to determine the clinical significance of the variant at this time. The frequency of this variant in the general population is uninformative in assessment of its pathogenicity. Computational tools predict that this variant is not damaging.

Illumina Laboratory Services, Illumina
Classification: Uncertain significance for Autosomal recessive ataxia, Beauce type. Last evaluated: 2018-01-13. Review status: criteria provided, single submitter. Criteria: ICSL Variant Classification Criteria 13 December 2019. Collection method: clinical testing. Allele origin: germline.

Illumina Laboratory Services, Illumina
Classification: Uncertain significance for Emery-Dreifuss muscular dystrophy 4, autosomal dominant. Last evaluated: 2018-01-13. Review status: criteria provided, single submitter. Criteria: ICSL Variant Classification Criteria 13 December 2019. Collection method: clinical testing. Allele origin: germline.

NM_182961.4(SYNE1):c.6117A>C (p.Lys2039Asn)

Gene: SYNE1 (spectrin repeat containing nuclear envelope protein 1; minus strand). Cytogenetic location: 6q25.2.
Variant type: single nucleotide variant.
Coding change: c.6117A>C on transcript NM_182961.4 (MANE Select); coding-DNA position 6117, A replaced by C.
Protein change: p.Lys2039Asn; replaces lysine 2039 with asparagine.
Molecular consequence: missense variant.
Genome position (GRCh38, 1-based): chr6:152,413,465, T>G on the plus strand (A>C on the coding strand, the complement: SYNE1 is on the minus strand). VCF-style: chr6-152413465-T-G. GRCh37 (hg19) VCF-style: chr6-152734600-T-G.
Other names: c.6138A>C, p.Lys2046Asn (NM_033071.5); c.6117A>C (NM_182961.2); short protein forms K2046N, K2039N.
Identifiers: ClinVar variation 905047 (VCV000905047.12), dbSNP rs1449605743, ClinGen allele CA366129647.